The following is an entry in ClinVar:

NM_198525.3(KIF7):c.1293G>C (p.Gly431=)

Gene: KIF7 (kinesin family member 7; minus strand). Cytogenetic location: 15q26.1.
Variant type: single nucleotide variant.
Coding change: c.1293G>C on transcript NM_198525.3 (MANE Select); coding-DNA position 1293, G replaced by C.
Protein change: p.Gly431=; no amino-acid change (glycine 431 retained).
Molecular consequence: synonymous variant.
Genome position (GRCh38, 1-based): chr15:89,648,405, C>G on the plus strand (G>C on the coding strand, the complement: KIF7 is on the minus strand). VCF-style: chr15-89648405-C-G. GRCh37 (hg19) VCF-style: chr15-90191636-C-G.
Identifiers: ClinVar variation 3058302 (VCV003058302.2), dbSNP rs2505493942, ClinGen allele CA492292902.
Genomic context (GRCh38, chr15:89,648,405, plus strand): 5'-GCGCTCGCCCTCGACGGCGCACAGCCAGTCGCGCACCTTGCGGGCGGCGGCGCCGGGCAG[C>G]CCGGGCTCGGCCTGCAGCTCGCGCAAGAGGCTGTAGGCGGCGTCGGTGCAGGCCCGGTAG-3'
Protein context (NP_940927.2, residues 421-441): SLLRELQAEP[Gly431=]LPGAAARKVR

ClinVar aggregate classification (germline): Likely benign (0 of 4 stars; one submission).

Conditions:
KIF7-related disorder. Also called: KIF7-related condition.

Submission:

PreventionGenetics, part of Exact Sciences
Classification: Likely benign for KIF7-related condition. Last evaluated: 2022-04-26. Review status: no assertion criteria provided. Collection method: clinical testing. Allele origin: germline.
Comment: This variant is classified as likely benign based on ACMG/AMP sequence variant interpretation guidelines (Richards et al. 2015 PMID: 25741868, with internal and published modifications).